The following is an entry in ClinVar:

ClinVar aggregate classification (germline): Uncertain significance (1 of 4 stars; one submission).

Conditions:
Emery-Dreifuss muscular dystrophy 5, autosomal dominant (EDMD5). Also called: EMERY-DREIFUSS MUSCULAR DYSTROPHY 5. Identifiers: Orphanet 261, MedGen C2751805, MONDO:0013072, OMIM 612999.

Allele frequency attached by ClinVar (database versions not stated): gnomAD exomes below 0.00001; TOPMed below 0.00001; gnomAD 0.00001.
gnomAD v4.1: 2 of 1,614,040 alleles (0.00012%); highest among the groups gnomAD compares: Middle Eastern, 0.016%; no homozygotes.

Submission:

Labcorp Genetics (formerly Invitae), Labcorp
Classification: Uncertain significance for Emery-Dreifuss muscular dystrophy 5, autosomal dominant. Last evaluated: 2024-02-23. Review status: criteria provided, single submitter. Criteria: Invitae Variant Classification Sherloc (09022015). Collection method: clinical testing. Allele origin: germline.
Comment: This sequence change replaces aspartic acid, which is acidic and polar, with glycine, which is neutral and non-polar, at codon 5993 of the SYNE2 protein (p.Asp5993Gly). This variant is not present in population databases (gnomAD no frequency). This variant has not been reported in the literature in individuals affected with SYNE2-related conditions. ClinVar contains an entry for this variant (Variation ID: 1056669). An algorithm developed to predict the effect of missense changes on protein structure and function (PolyPhen-2) suggests that this variant is likely to be disruptive. In summary, the available evidence is currently insufficient to determine the role of this variant in disease. Therefore, it has been classified as a Variant of Uncertain Significance.

NM_182914.3(SYNE2):c.17978A>G (p.Asp5993Gly)

Gene: SYNE2 (spectrin repeat containing nuclear envelope protein 2; plus strand). Cytogenetic location: 14q23.2.
Variant type: single nucleotide variant.
Coding change: c.17978A>G on transcript NM_182914.3 (MANE Select); coding-DNA position 17978, A replaced by G.
Protein change: p.Asp5993Gly; replaces aspartic acid 5993 with glycine.
Molecular consequence: missense variant.
Genome position (GRCh38, 1-based): chr14:64,190,177, A>G. VCF-style: chr14-64190177-A-G. GRCh37 (hg19) VCF-style: chr14-64656895-A-G.
Other names: c.17978A>G, p.Asp5993Gly (NM_015180.6); short protein forms D5993G.
Identifiers: ClinVar variation 1056669 (VCV001056669.9), dbSNP rs2098511514, ClinGen allele CA389996031.